The following is an entry in ClinVar:

NM_000492.4(CFTR):c.3874-4522A>G

Gene: CFTR (CF transmembrane conductance regulator; plus strand). Cytogenetic location: 7q31.2.
Variant type: single nucleotide variant.
Coding change: c.3874-4522A>G on transcript NM_000492.4 (MANE Select); 4522 bases into the intron before coding-DNA position 3874, A replaced by G.
Molecular consequence: intron variant.
Genome position (GRCh38, 1-based): chr7:117,648,320, A>G. VCF-style: chr7-117648320-A-G. GRCh37 (hg19) VCF-style: chr7-117288374-A-G.
Identifiers: ClinVar variation 500071 (VCV000500071.64), dbSNP rs895394181, ClinGen allele CA164950171.

ClinVar aggregate classification (germline): Conflicting classifications of pathogenicity. Review status: criteria provided, conflicting classifications (1 of 4 stars). 16 submissions from 16 submitters: Pathogenic (9); Likely pathogenic (5); Uncertain significance (1). 1 of the submissions does not count toward it. Last evaluated 2026-06-10.

Conditions:
Cystic fibrosis (CF). Also called: MUCOVISCIDOSIS. Identifiers: Orphanet 586, MedGen C0010674, MONDO:0009061, OMIM 219700. Disease mechanism: loss of function.
CFTR-related disorder (CFTR-RD). Also called: CFTR-related disorders; CFTR-related condition. Identifiers: MedGen C5924204, MONDO:7770004.
Bronchiectasis with or without elevated sweat chloride 1 (BESC1). Also called: Cystic Fibrosis-Like Syndrome. Identifiers: Orphanet 60033, MedGen C2749757, MONDO:0008887, OMIM 211400.
Congenital bilateral aplasia of vas deferens from CFTR mutation (CBAVD). Identifiers: Orphanet 48, MedGen C0403814, MONDO:0010178, OMIM 277180. Disease mechanism: loss of function.
Hereditary pancreatitis (PCTT). Also called: Hereditary chronic pancreatitis; PRSS1-Related Hereditary Pancreatitis. Identifiers: Orphanet 676, MedGen C0238339, MONDO:0008185, OMIM 167800.

Allele frequency attached by ClinVar (database versions not stated): TOPMed 0.00002; gnomAD 0.00004 and 0.00005.
gnomAD v4.1: 8 of 152,096 alleles (0.0053%); highest among the groups gnomAD compares: Non-Finnish European, 0.0074%; no homozygotes.

Submissions 1 to 9 of 16:

PreventionGenetics, part of Exact Sciences
Classification: Pathogenic for CFTR-related condition. Last evaluated: 2026-06-10. Review status: criteria provided, single submitter. Criteria: ACMG Guidelines, 2015. Collection method: clinical testing. Allele origin: germline.
Comment: The CFTR c.3874-4522A>G variant is predicted to interfere with splicing. This variant, previously reported as c.4005+5727A>G, has been reported in the compound heterozygous state or with a second CFTR variant (phase unknown) in individuals with cystic fibrosis (see for example, Roth et al. 2011. PubMed ID: 21909392; Bergougnoux et al. 2018. PubMed ID: 30389601; Morris-Rosendahl et al. 2020. PubMed ID: 32017858; CFTR-France). This variant has also been reported in the heterozygous and compound heterozygous states in individuals with CFTR-related disorders (Bergougnoux et al. 2018. PubMed ID: 30389601; CFTR-France). An in vitro splicing analysis indicates that this change results in the inclusion of a 125-bp pseudo-exon (Bergougnoux et al. 2018. PubMed ID: 30389601). This variant has not been reported in a large population database, indicating it is rare. Taken together, we classify this variant as pathogenic.

Natera, Inc.
Classification: Pathogenic for CFTR-related disorders. Last evaluated: 2025-11-16. Review status: criteria provided, single submitter. Criteria: Natera Variant Classification Schema (03/2026). Collection method: clinical testing. Allele origin: germline.
Comment: The c.3874-4522A>G variant in CFTR is an intronic variant located outside the canonical splice sites. This variant is rare in the general population with a frequency below the threshold expected for the associated phenotype(s). This variant has been observed in one or more individuals affected with the associated recessive disease, as either homozygous or compound heterozygous with a second variant (PMID: 30389601). Additionally, this variant has been observed to segregate in affected family members (PMID: 30389601). Functional studies show that this variant may disrupt protein function (PMID: 30389601). Given the available evidence, this variant is classified as Pathogenic.

Labcorp Genetics (formerly Invitae), Labcorp
Classification: Pathogenic for Cystic fibrosis. Last evaluated: 2025-11-10. Review status: criteria provided, single submitter. Criteria: Invitae Variant Classification Sherloc (09022015). Collection method: clinical testing. Allele origin: germline.
Comment: This sequence change falls in intron 23 of the CFTR gene. It does not directly change the encoded amino acid sequence of the CFTR protein. This variant is not present in population databases (gnomAD no frequency). This variant has been observed in individual(s) with cystic fibrosis (PMID: 21909392, 30389601). In at least one individual the data is consistent with being in trans (on the opposite chromosome) from a pathogenic variant. This variant is also known as 4005+5727A>G. ClinVar contains an entry for this variant (Variation ID: 500071). Studies have shown that this variant alters mRNA splicing and is expected to lead to the loss of protein expression (PMID: 30389601). For these reasons, this variant has been classified as Pathogenic.

GeneDx
Classification: Likely pathogenic. Last evaluated: 2025-09-10. Review status: criteria provided, single submitter. Criteria: GeneDx Variant Classification Process June 2021. Collection method: clinical testing. Allele origin: germline. Affected: yes.
Comment: Observed multiple times with a second CFTR causing variant in patients with cystic fibrosis or CFTR-related disorders, but it is not known whether the variants occurred on the same (in cis) or on different (in trans) chromosomes in some cases (PMID: 21909392, 30389601, 37558402); No data available from control populations to assess the frequency of this variant; Also known as 4005 + 5727A>G; This variant is associated with the following publications: (PMID: 25569440, 30389601, 31845523, 32017858, 38246579, 37867076, 35850704, 36349818, 35858753, 34663891, 37445855, 33020115, 37477516, 21909392, 37558402, 38966678)

Fulgent Genetics
Classification: Likely pathogenic for Hereditary pancreatitis; Bronchiectasis with or without elevated sweat chloride 1; Cystic fibrosis; Congenital bilateral aplasia of vas deferens from CFTR mutation. Last evaluated: 2024-06-06. Review status: criteria provided, single submitter. Criteria: ACMG Guidelines, 2015. Collection method: clinical testing. Allele origin: germline.

Baylor Genetics
Classification: Likely pathogenic for Bronchiectasis with or without elevated sweat chloride 1. Last evaluated: 2024-03-26. Review status: criteria provided, single submitter. Criteria: ACMG Guidelines, 2015. Collection method: clinical testing. Allele origin: unknown.

Blueprint Genetics
Classification: Pathogenic for CFTR-related disorders. Last evaluated: 2024-03-21. Review status: criteria provided, single submitter. Criteria: ACMG Guidelines, 2015. Collection method: clinical testing. Allele origin: germline. Affected: yes. Observed: 3 variant alleles.

ARUP Laboratories, Molecular Genetics and Genomics, ARUP Laboratories
Classification: Likely pathogenic. Last evaluated: 2023-10-06. Review status: criteria provided, single submitter. Criteria: ARUP Molecular Germline Variant Investigation Process 2024. Collection method: clinical testing. Allele origin: germline.
Comment: The CFTR c.3874-4522A>G variant (rs895394181) is reported in the literature in multiple individuals affected with cystic fibrosis and CFTR related disorders (Bergougnoux 2019, Roth 2011, Shen 2022, Su 2023). This variant is also reported in ClinVar (Variation ID: 500071) and is absent from the Genome Aggregation Database, indicating it is not a common polymorphism. A minigene assay found this variant affects mRNA splicing resulting in the inclusion of a 125bp pseudo-exon that is predicted to result in a premature stop codon in a majority of RNA transcripts (Bergougnoux 2019). Based on available information, this variant is considered to be likely pathogenic. References: Bergougnoux A et al. Functional characterization and phenotypic spectrum of three recurrent disease-causing deep intronic variants of the CFTR gene. J Cyst Fibros. 2019 Jul;18(4):468-475. PMID: 30389601. Roth EK et al. The K+ channel opener 1-EBIO potentiates residual function of mutant CFTR in rectal biopsies from cystic fibrosis patients. PLoS One. 2011;6(8):e24445. PMID: 21909392. Shen Y et al. Genetic spectrum of Chinese children with cystic fibrosis: comprehensive data analysis from the main referral centre in China. J Med Genet. 2022 Jul 20;60(3):310–5. PMID: 35858753. Su Y et al. Case report of a pediatric Chinese cystic fibrosis patient with the c.1521_1523delCTT/c.3874-4522A>G genotype. Pediatr Pulmonol. 2023 Feb;58(2):556-558. PMID: 36349818.

Women's Health and Genetics/Laboratory Corporation of America, LabCorp
Classification: Pathogenic for Cystic fibrosis. Last evaluated: 2023-03-15. Review status: criteria provided, single submitter. Criteria: LabCorp Variant Classification Summary - May 2015. Collection method: clinical testing. Allele origin: germline.
Comment: Variant summary: CFTR c.3874-4522A>G is located at a position not widely known to affect splicing. However, several computational tools predict a significant impact on normal splicing: Three predict the variant creates a 3' acceptor site and one predicts the variant has no significant impact on splicing. At least one publication reports experimental evidence from sequencing RNA from compound heterozygous individuals with the variant, as well as a minigene assay, that shows this variant indeed affects mRNA splicing (Bergougnoux_2019). This study showed that the variant results in aberrant splicing which leads to the inclusion of a 125bp pseudo-exon, predicted to result in a premature stop codon, in 76% of RNA transcripts. The variant was absent in 31150 control chromosomes (gnomAD). c.3874-4522A>G has been reported in the literature in the compound heterozygous state in multiple individuals affected with Cystic Fibrosis and CFTR-related disorders, including cases where it has been confirmed to be in trans with a pathogenic variant (e.g. Roth_2011, Bergougnoux_2019 Morris-Rosendahl_2020). These data indicate that the variant is very likely to be associated with disease. Eight submitters have provided clinical-significance assessments for this variant to ClinVar after 2014 and classified the variant as either pathogenic (n=4)/likely pathogenic (n=1) or VUS (n=3). Based on the evidence outlined above, the variant was classified as pathogenic.